The following is an entry in ClinVar:

ClinVar aggregate classification (germline): Conflicting classifications of pathogenicity. Review status: criteria provided, conflicting classifications (1 of 4 stars). 4 submissions from 4 submitters: Uncertain significance (2); Benign (1); Likely benign (1). Last evaluated 2025-06-24.

Conditions:
JAG1-related disorder. Also called: JAG1-related disorders; JAG1-related condition.
Cardiovascular phenotype. Identifiers: MedGen CN230736.
Alagille syndrome due to a JAG1 point mutation. Also called: JAG1-Related Alagille Syndrome; HEPATIC DUCTULAR HYPOPLASIA, SYNDROMATIC; Alagille Syndrome 1. Identifiers: Orphanet 261619, Orphanet 52, MedGen C1956125, MONDO:0016862, OMIM 118450.

Allele frequency attached by ClinVar (database versions not stated): gnomAD 0.00003; TOPMed 0.00004; ExAC 0.00008.
gnomAD v4.1: 42 of 1,614,028 alleles (0.0026%); highest among the groups gnomAD compares: East Asian, 0.04%; no homozygotes.

Submissions (4):

Labcorp Genetics (formerly Invitae), Labcorp
Classification: Benign for Alagille syndrome due to a JAG1 point mutation. Last evaluated: 2025-06-24. Review status: criteria provided, single submitter. Criteria: Invitae Variant Classification Sherloc (09022015). Collection method: clinical testing. Allele origin: germline.

PreventionGenetics, part of Exact Sciences
Classification: Uncertain significance for JAG1-related condition. Last evaluated: 2024-10-09. Review status: criteria provided, single submitter. Criteria: ACMG Guidelines, 2015. Collection method: clinical testing. Allele origin: germline.
Comment: The JAG1 c.3178C>T variant is predicted to result in the amino acid substitution p.Arg1060Trp. This variant was reported in an individual with pituitary stalk interruption syndrome and a individual with congenital hypothyroidism (Guo et al. 2017. PubMed ID: 28707430; Li et al. 2024. PubMed ID: 38468821). This variant is reported in 0.080% of alleles in individuals of East Asian descent in gnomAD which is likely too frequent to be a primary cause of disease. Although we suspect that this variant may be benign, at this time, the clinical significance of this variant is uncertain due to the absence of conclusive functional and genetic evidence.

Ambry Genetics
Classification: Uncertain significance for Cardiovascular phenotype. Last evaluated: 2023-08-22. Review status: criteria provided, single submitter. Criteria: Ambry Variant Classification Scheme 2023. Collection method: clinical testing. Allele origin: germline.

Blueprint Genetics
Classification: Likely benign. Last evaluated: 2022-12-22. Review status: criteria provided, single submitter. Criteria: ACMG Guidelines, 2015. Collection method: clinical testing. Allele origin: germline.

NM_000214.3(JAG1):c.3178C>T (p.Arg1060Trp)

Gene: JAG1 (jagged canonical Notch ligand 1; minus strand). Cytogenetic location: 20p12.2.
Variant type: single nucleotide variant.
Coding change: c.3178C>T on transcript NM_000214.3 (MANE Select); coding-DNA position 3178, C replaced by T.
Protein change: p.Arg1060Trp; replaces arginine 1060 with tryptophan.
Molecular consequence: missense variant.
Genome position (GRCh38, 1-based): chr20:10,640,804, G>A on the plus strand (C>T on the coding strand, the complement: JAG1 is on the minus strand). VCF-style: chr20-10640804-G-A. GRCh37 (hg19) VCF-style: chr20-10621452-G-A.
Other names: c.3178C>T (NM_000214.2); short protein forms R1060W.
Identifiers: ClinVar variation 2038163 (VCV002038163.8), dbSNP rs760992773, ClinGen allele CA9764266.
Genomic context (GRCh38, chr20:10,640,804, plus strand): 5'-CTACTATCATCACACAAACTAGTCCCACTTGACACCTACCTGTTCTGTTCTTCAGAGGCC[G>A]CCTCTGAACTCTTACTTCTGCAACGGCAGCAATCAGCGAGCTGTTTCCATCACGTTTACT-3'
Protein context (NP_000205.1, residues 1050-1070): AAVAEVRVQR[Arg1060Trp]PLKNRTDFLV